The following is an entry in ClinVar:

ClinVar aggregate classification (germline): Conflicting classifications of pathogenicity. Review status: criteria provided, conflicting classifications (1 of 4 stars). 3 submissions from 3 submitters: Likely pathogenic (1); Uncertain significance (1). 1 of the submissions does not count toward it. Last evaluated 2026-09-17.

Conditions:
Autosomal dominant polycystic kidney disease. Identifiers: Orphanet 730, MedGen C0085413, MONDO:0004691.
PKD1-related disorder. Also called: PKD1-related condition.
Polycystic kidney disease, adult type (PKD1). Also called: POLYCYSTIC KIDNEY DISEASE 1 WITH OR WITHOUT POLYCYSTIC LIVER DISEASE; Polycystic Kidney Disease 1, Autosomal Dominant; Polycystic kidney disease 1; Polycystic kidney disease 1, severe; Polycystic Kidney, Autosomal Dominant; POLYCYSTIC KIDNEY DISEASE, ADULT, TYPE I. Identifiers: MedGen C3149841, MONDO:0008263, OMIM 173900.

Submissions (3):

MVZ Medizinische Genetik Mainz
Classification: Likely pathogenic for Polycystic kidney disease, adult type. Last evaluated: 2026-09-17. Review status: criteria provided, single submitter. Criteria: UK Practice Guidelines For Variant Classification V4 01 2020. Collection method: clinical testing. Allele origin: germline. Inheritance: Autosomal dominant inheritance. Affected: yes. Observed: 1 variant allele.
Comment: ACMG Criteria: PS4,PS1_MOD,PM2_SUP,PP3,PP4

Department of Pathology and Laboratory Medicine, Sinai Health System
Classification: Uncertain significance for autosomal dominant polycystic kidney disease. Last evaluated: 2018-08-29. Review status: criteria provided, single submitter. Criteria: ACMG Guidelines, 2015. Collection method: clinical testing. Allele origin: germline.

PreventionGenetics, part of Exact Sciences
Classification: Pathogenic for PKD1-related condition. Last evaluated: 2023-11-16. Review status: no assertion criteria provided. Collection method: clinical testing. Allele origin: germline. Not counted in ClinVar's aggregate classification.
Comment: The PKD1 c.8017-3C>G variant is predicted to interfere with splicing. This variant has been reported in individuals with autosomal dominant polycystic kidney disease (ADPKD) (Audrézet et al. 2016. PubMed ID: 26139440; Ebner et al. 2017. PubMed ID: 28502323). This variant has not been reported in a large population database, indicating this variant is rare. This variant is interpreted as pathogenic.

Literature cited by the submitters: PubMed 26139440 (cited by Department of Pathology and Laboratory Medicine, Sinai Health System).

NM_001009944.3(PKD1):c.8017-3C>G

Gene: PKD1 (polycystin 1, transient receptor potential channel interacting; minus strand). Cytogenetic location: 16p13.3.
Variant type: single nucleotide variant.
Coding change: c.8017-3C>G on transcript NM_001009944.3 (MANE Select); 3 bases into the intron before coding-DNA position 8017, C replaced by G.
Molecular consequence: intron variant.
Genome position (GRCh38, 1-based): chr16:2,104,645, G>C on the plus strand (C>G on the coding strand, the complement: PKD1 is on the minus strand). VCF-style: chr16-2104645-G-C. GRCh37 (hg19) VCF-style: chr16-2154646-G-C.
Other names: c.8017-3C>G (NM_000296.4).
Identifiers: ClinVar variation 3057732 (VCV003057732.4), dbSNP rs780785813, ClinGen allele CA2695222326.